The following is an entry in ClinVar:

ClinVar aggregate classification (germline): Uncertain significance (1 of 4 stars; one submission).

Conditions:
Developmental and epileptic encephalopathy, 9 (DEE9). Also called: Early infantile epileptic encephalopathy 9; EPILEPSY, FEMALE-RESTRICTED, WITH MENTAL RETARDATION; JUBERG-HELLMAN SYNDROME; PCDH19-Related X-Linked Female-Limited Epilepsy with Mental Retardation. Identifiers: Orphanet 101039, Orphanet 2076, MedGen C1848137, MONDO:0010246, OMIM 300088. Disease mechanism: loss of function.

Submission:

Labcorp Genetics (formerly Invitae), Labcorp
Classification: Uncertain significance for Developmental and epileptic encephalopathy, 9. Last evaluated: 2021-11-30. Review status: criteria provided, single submitter. Criteria: Invitae Variant Classification Sherloc (09022015). Collection method: clinical testing. Allele origin: germline.
Comment: This sequence change replaces alanine, which is neutral and non-polar, with valine, which is neutral and non-polar, at codon 52 of the PCDH19 protein (p.Ala52Val). This variant is not present in population databases (gnomAD no frequency). This variant has not been reported in the literature in individuals affected with PCDH19-related conditions. Advanced modeling of protein sequence and biophysical properties (such as structural, functional, and spatial information, amino acid conservation, physicochemical variation, residue mobility, and thermodynamic stability) performed at Invitae indicates that this missense variant is not expected to disrupt PCDH19 protein function. In summary, the available evidence is currently insufficient to determine the role of this variant in disease. Therefore, it has been classified as a Variant of Uncertain Significance.

NM_001184880.2(PCDH19):c.155C>T (p.Ala52Val)

Gene: PCDH19 (protocadherin 19; minus strand). Cytogenetic location: Xq22.1.
Variant type: single nucleotide variant.
Coding change: c.155C>T on transcript NM_001184880.2 (MANE Select); coding-DNA position 155, C replaced by T.
Protein change: p.Ala52Val; replaces alanine 52 with valine.
Molecular consequence: missense variant.
Genome position (GRCh38, 1-based): chrX:100,408,443, G>A on the plus strand (C>T on the coding strand, the complement: PCDH19 is on the minus strand). VCF-style: chrX-100408443-G-A. GRCh37 (hg19) VCF-style: chrX-99663441-G-A.
Other names: c.155C>T, p.Ala52Val (NM_001105243.2, NM_020766.3); short protein forms A52V.
Identifiers: ClinVar variation 1387666 (VCV001387666.6), dbSNP rs2147542586, ClinGen allele CA414011258.